The following is an entry in ClinVar:

ClinVar aggregate classification (germline): Uncertain significance (1 of 4 stars; one submission).

Conditions:
Hereditary cancer-predisposing syndrome. Also called: Neoplastic Syndromes, Hereditary; Tumor predisposition; Hereditary neoplastic syndrome; Hereditary Cancer Syndrome. Identifiers: Orphanet 140162, MedGen C0027672, MeSH D009386, MONDO:0015356.

gnomAD v4.1: 1 of 1,613,958 alleles (0.000062%); highest among the groups gnomAD compares: South Asian, 0.0011%; no homozygotes.

Submission:

Ambry Genetics
Classification: Uncertain significance for Hereditary cancer-predisposing syndrome. Last evaluated: 2026-07-06. Review status: criteria provided, single submitter. Criteria: Ambry Variant Classification Scheme 2023. Collection method: clinical testing. Allele origin: germline.
Comment: The p.W1056L variant (also known as c.3167G>T), located in coding exon 19 of the RET gene, results from a G to T substitution at nucleotide position 3167. The tryptophan at codon 1056 is replaced by leucine, an amino acid with similar properties. This amino acid position is conserved. In addition, this alteration is predicted to be deleterious by in silico analysis. Based on the available evidence, the clinical significance of this variant remains unclear.

NM_020975.6(RET):c.3167G>T (p.Trp1056Leu)

Gene: RET (ret proto-oncogene; plus strand). Cytogenetic location: 10q11.21.
Variant type: single nucleotide variant.
Coding change: c.3167G>T on transcript NM_020975.6 (MANE Select); coding-DNA position 3167, G replaced by T.
Protein change: p.Trp1056Leu; replaces tryptophan 1056 with leucine.
Molecular consequence: missense variant. On other transcripts: intron variant (4).
Genome position (GRCh38, 1-based): chr10:43,126,702, G>T. VCF-style: chr10-43126702-G-T. GRCh37 (hg19) VCF-style: chr10-43622150-G-T.
Other names: c.2405G>T, p.Trp802Leu (NM_001355216.2); c.3167G>T, p.Trp1056Leu (NM_001406743.1, NM_001406744.1, NM_020630.7); c.3038G>T, p.Trp1013Leu (NM_001406761.1, NM_001406762.1, NM_001406764.1); c.3032G>T, p.Trp1011Leu (NM_001406763.1, NM_001406765.1); c.2879G>T, p.Trp960Leu (NM_001406766.1, NM_001406767.1, NM_001406770.1); c.2903G>T, p.Trp968Leu (NM_001406768.1); c.2771G>T, p.Trp924Leu (NM_001406769.1, NM_001406772.1); c.2729G>T, p.Trp910Leu (NM_001406771.1, NM_001406773.1); and 13 more; short protein forms W1056L, W712L, W714L, W757L, W802L, W573L, W661L, W726L.
Identifiers: ClinVar variation 5028174 (VCV005028174.1).
Genomic context (GRCh38, chr10:43,126,702, plus strand): 5'-AGGAGACACCGCTGGTGGACTGTAATAATGCCCCCCTCCCTCGAGCCCTCCCTTCCACAT[G>T]GATTGAAAACAAACTCTATGGTAGAATTTCCCATGCATTTACTAGATTCTAGCACCGCTG-3'
Protein context (NP_066124.1, residues 1046-1066): APLPRALPST[Trp1056Leu]IENKLYGMSD